The following is an entry in ClinVar:

ClinVar aggregate classification (germline): Uncertain significance (1 of 4 stars; one submission).

Submission:

Women's Health and Genetics/Laboratory Corporation of America, LabCorp
Classification: Uncertain significance. Last evaluated: 2026-02-09. Review status: criteria provided, single submitter. Criteria: LabCorp Variant Classification Summary - May 2015. Collection method: clinical testing. Allele origin: germline.
Comment: Variant summary: OTUD5 c.68C>T (p.Pro23Leu) results in a non-conservative amino acid change in the encoded protein sequence. Algorithms developed to predict the effect of missense changes on protein structure and function are either unavailable or do not agree on the potential impact of this missense change. The frequency data for this variant in gnomAD is considered unreliable, as metrics indicate poor data quality at this position. To our knowledge, no occurrence of c.68C>T in individuals affected with OTUD5-related conditions and no experimental evidence demonstrating its impact on protein function have been reported. No submitters have cited clinical-significance assessments for this variant to ClinVar. Based on the evidence outlined above, the variant was classified as uncertain significance.

NM_001136157.2(OTUD5):c.68C>T (p.Pro23Leu)

Gene: OTUD5 (OTU deubiquitinase 5; minus strand). Cytogenetic location: Xp11.23.
Variant type: single nucleotide variant.
Coding change: c.68C>T on transcript NM_001136157.2 (MANE Select); coding-DNA position 68, C replaced by T.
Protein change: p.Pro23Leu; replaces proline 23 with leucine.
Molecular consequence: missense variant. On other transcripts: intron variant (1).
Genome position (GRCh38, 1-based): chrX:48,957,503, G>A on the plus strand (C>T on the coding strand, the complement: OTUD5 is on the minus strand). VCF-style: chrX-48957503-G-A. GRCh37 (hg19) VCF-style: chrX-48814765-G-A.
Other names: c.68C>T, p.Pro23Leu (NM_001136158.2, NM_017602.4); c.-58+729C>T (NM_001136159.2); short protein forms P23L.
Identifiers: ClinVar variation 4847962 (VCV004847962.1).